The following is an entry in ClinVar:

NM_172364.5(CACNA2D4):c.1187G>C (p.Cys396Ser)

Gene: CACNA2D4 (calcium voltage-gated channel auxiliary subunit alpha2delta 4; minus strand). Cytogenetic location: 12p13.33.
Variant type: single nucleotide variant.
Coding change: c.1187G>C on transcript NM_172364.5 (MANE Select); coding-DNA position 1187, G replaced by C.
Protein change: p.Cys396Ser; replaces cysteine 396 with serine.
Molecular consequence: missense variant.
Genome position (GRCh38, 1-based): chr12:1,884,853, C>G on the plus strand (G>C on the coding strand, the complement: CACNA2D4 is on the minus strand). VCF-style: chr12-1884853-C-G. GRCh37 (hg19) VCF-style: chr12-1994019-C-G.
Other names: short protein forms C396S.
Identifiers: ClinVar variation 961782 (VCV000961782.9), dbSNP rs1396665300, ClinGen allele CA383358611.

ClinVar aggregate classification (germline): Uncertain significance (1 of 4 stars; one submission).

Allele frequency attached by ClinVar (database versions not stated): TOPMed 0.00001.

Submission:

Labcorp Genetics (formerly Invitae), Labcorp
Classification: Uncertain significance. Last evaluated: 2025-01-20. Review status: criteria provided, single submitter. Criteria: Invitae Variant Classification Sherloc (09022015). Collection method: clinical testing. Allele origin: germline.
Comment: This sequence change replaces cysteine, which is neutral and slightly polar, with serine, which is neutral and polar, at codon 396 of the CACNA2D4 protein (p.Cys396Ser). This variant is not present in population databases (gnomAD no frequency). This variant has not been reported in the literature in individuals affected with CACNA2D4-related conditions. ClinVar contains an entry for this variant (Variation ID: 961782). An algorithm developed to predict the effect of missense changes on protein structure and function (PolyPhen-2) suggests that this variant is likely to be disruptive. In summary, the available evidence is currently insufficient to determine the role of this variant in disease. Therefore, it has been classified as a Variant of Uncertain Significance.